The following is an entry in ClinVar:

ClinVar aggregate classification (germline): Uncertain significance. Review status: criteria provided, multiple submitters, no conflicts (2 of 4 stars). 7 submissions from 7 submitters: Uncertain significance (7). Last evaluated 2026-08-17.

Conditions:
PHYH-related disorder. Also called: PHYH-related condition.
Inborn genetic diseases. Identifiers: MedGen C0950123, MeSH D030342.

Allele frequency attached by ClinVar (database versions not stated): ESP Exome Variant Server 0.00008; gnomAD 0.00018 and 0.00019; gnomAD exomes 0.00018 and 0.00024; TOPMed 0.00021; ExAC 0.00022.
gnomAD v4.1: 354 of 1,476,428 alleles (0.024%); highest among the groups gnomAD compares: Non-Finnish European, 0.031%; no homozygotes.

Submissions (7):

PreventionGenetics, part of Exact Sciences
Classification: Uncertain significance for PHYH-related condition. Last evaluated: 2026-08-17. Review status: criteria provided, single submitter. Criteria: ACMG Guidelines, 2015. Collection method: clinical testing. Allele origin: germline.
Comment: The PHYH c.238C>T variant is predicted to result in the amino acid substitution p.Arg80Cys. To our knowledge, this variant has not been reported in the literature. This variant is reported in 0.034% of alleles in individuals of European (Non-Finnish) descent in gnomAD. At this time, the clinical significance of this variant is uncertain due to the absence of conclusive functional and genetic evidence.

Mayo Clinic Laboratories, Mayo Clinic
Classification: Uncertain significance. Last evaluated: 2025-07-30. Review status: criteria provided, single submitter. Criteria: ACMG Guidelines, 2015. Collection method: clinical testing. Allele origin: germline. Observed: 3 variant alleles.
Comment: PM2_supporting

Labcorp Genetics (formerly Invitae), Labcorp
Classification: Uncertain significance. Last evaluated: 2025-01-06. Review status: criteria provided, single submitter. Criteria: Invitae Variant Classification Sherloc (09022015). Collection method: clinical testing. Allele origin: germline.
Comment: This sequence change replaces arginine, which is basic and polar, with cysteine, which is neutral and slightly polar, at codon 80 of the PHYH protein (p.Arg80Cys). This variant is present in population databases (rs369205198, gnomAD 0.03%). This variant has not been reported in the literature in individuals affected with PHYH-related conditions. ClinVar contains an entry for this variant (Variation ID: 596354). Invitae Evidence Modeling of protein sequence and biophysical properties (such as structural, functional, and spatial information, amino acid conservation, physicochemical variation, residue mobility, and thermodynamic stability) has been performed for this missense variant. However, the output from this modeling did not meet the statistical confidence thresholds required to predict the impact of this variant on PHYH protein function. In summary, the available evidence is currently insufficient to determine the role of this variant in disease. Therefore, it has been classified as a Variant of Uncertain Significance.

Blueprint Genetics
Classification: Uncertain significance. Last evaluated: 2024-05-16. Review status: criteria provided, single submitter. Criteria: ACMG Guidelines, 2015. Collection method: clinical testing. Allele origin: germline.

Ambry Genetics
Classification: Uncertain significance for Inborn genetic diseases. Last evaluated: 2023-12-20. Review status: criteria provided, single submitter. Criteria: Ambry Variant Classification Scheme 2023. Collection method: clinical testing. Allele origin: germline.

CeGaT Center for Human Genetics Tuebingen
Classification: Uncertain significance. Last evaluated: 2018-12-01. Review status: criteria provided, single submitter. Criteria: CeGaT Center For Human Genetics Tuebingen Variant Classification Criteria Version 2. Collection method: clinical testing. Allele origin: germline. Affected: yes. Observed: 1 variant allele.

Eurofins Ntd Llc (ga)
Classification: Uncertain significance. Last evaluated: 2018-03-12. Review status: criteria provided, single submitter. Criteria: EGL ClinVar v180209 classification definitions. Collection method: clinical testing. Allele origin: germline. Observed: 1 variant allele, 1 heterozygote.

NM_006214.4(PHYH):c.238C>T (p.Arg80Cys)

Gene: PHYH (phytanoyl-CoA 2-hydroxylase; minus strand). Cytogenetic location: 10p13.
Variant type: single nucleotide variant.
Coding change: c.238C>T on transcript NM_006214.4 (MANE Select); coding-DNA position 238, C replaced by T.
Protein change: p.Arg80Cys; replaces arginine 80 with cysteine.
Molecular consequence: missense variant. On other transcripts: 5 prime UTR variant (3).
Genome position (GRCh38, 1-based): chr10:13,295,503, G>A on the plus strand (C>T on the coding strand, the complement: PHYH is on the minus strand). VCF-style: chr10-13295503-G-A. GRCh37 (hg19) VCF-style: chr10-13337503-G-A.
Other names: p.Arg80Cys; c.-63C>T (NM_001037537.2, NM_001323080.2, NM_001323084.2); c.238C>T, p.Arg80Cys (NM_001323082.2, NM_001323083.2); short protein forms R80C.
Identifiers: ClinVar variation 596354 (VCV000596354.54), dbSNP rs369205198, ClinGen allele CA5412450.